The following is an entry in ClinVar:

ClinVar aggregate classification (germline): Uncertain significance (1 of 4 stars; one submission).

Conditions:
Duchenne muscular dystrophy (DMD). Also called: MUSCULAR DYSTROPHY, PSEUDOHYPERTROPHIC PROGRESSIVE, DUCHENNE TYPE; Duchenne Muscular Dystrophy (DMD). Identifiers: Orphanet 98896, MedGen C0013264, MONDO:0010679, OMIM 310200.

Submission:

Labcorp Genetics (formerly Invitae), Labcorp
Classification: Uncertain significance for Duchenne muscular dystrophy. Last evaluated: 2022-03-08. Review status: criteria provided, single submitter. Criteria: Invitae Variant Classification Sherloc (09022015). Collection method: clinical testing. Allele origin: germline.
Comment: In summary, the available evidence is currently insufficient to determine the role of this variant in disease. Therefore, it has been classified as a Variant of Uncertain Significance. Algorithms developed to predict the effect of missense changes on protein structure and function (SIFT, PolyPhen-2, Align-GVGD) all suggest that this variant is likely to be disruptive. This variant has not been reported in the literature in individuals affected with DMD-related conditions. This variant is not present in population databases (gnomAD no frequency). This sequence change replaces tyrosine, which is neutral and polar, with cysteine, which is neutral and slightly polar, at codon 1018 of the DMD protein (p.Tyr1018Cys).

NM_004006.3(DMD):c.3053A>G (p.Tyr1018Cys)

Gene: DMD (dystrophin; minus strand). Cytogenetic location: Xp21.1.
Variant type: single nucleotide variant.
Coding change: c.3053A>G on transcript NM_004006.3 (MANE Select); coding-DNA position 3053, A replaced by G.
Protein change: p.Tyr1018Cys; replaces tyrosine 1018 with cysteine.
Molecular consequence: missense variant.
Genome position (GRCh38, 1-based): chrX:32,468,607, T>C on the plus strand (A>G on the coding strand, the complement: DMD is on the minus strand). VCF-style: chrX-32468607-T-C. GRCh37 (hg19) VCF-style: chrX-32486724-T-C.
Other names: c.3029A>G, p.Tyr1010Cys (NM_000109.4); c.3041A>G, p.Tyr1014Cys (NM_004009.3); c.2684A>G, p.Tyr895Cys (NM_004010.3); short protein forms Y895C, Y1014C, Y1018C, Y1010C.
Identifiers: ClinVar variation 1929374 (VCV001929374.5), dbSNP rs2524613930, ClinGen allele CA412666973.